The following is an entry in ClinVar:

ClinVar aggregate classification (germline): Conflicting classifications of pathogenicity. Review status: criteria provided, conflicting classifications (1 of 4 stars). 4 submissions from 4 submitters: Likely pathogenic (3); Uncertain significance (1). Last evaluated 2025-12-13.

Conditions:
Mitochondrial complex I deficiency, nuclear type 4. Also called: Mitochondrial complex 1 deficiency, nuclear type 4. Identifiers: MedGen C4748753, MONDO:0032609, OMIM 618225.

Allele frequency attached by ClinVar (database versions not stated): gnomAD 0.00001; gnomAD exomes 0.00001; TOPMed 0.00002.
gnomAD v4.1: 15 of 1,613,996 alleles (0.00093%); highest among the groups gnomAD compares: East Asian, 0.0022%; no homozygotes.

Submissions (4):

Labcorp Genetics (formerly Invitae), Labcorp
Classification: Likely pathogenic. Last evaluated: 2025-12-13. Review status: criteria provided, single submitter. Criteria: Invitae Variant Classification Sherloc (09022015). Collection method: clinical testing. Allele origin: germline.
Comment: This sequence change replaces arginine, which is basic and polar, with tryptophan, which is neutral and slightly polar, at codon 40 of the NDUFV1 protein (p.Arg40Trp). This variant is present in population databases (no rsID available, gnomAD 0.007%). This missense change has been observed in individual(s) with Leigh syndrome (PMID: 35482246). In at least one individual the data is consistent with being in trans (on the opposite chromosome) from a pathogenic variant. ClinVar contains an entry for this variant (Variation ID: 2970239). Invitae Evidence Modeling of protein sequence and biophysical properties (such as structural, functional, and spatial information, amino acid conservation, physicochemical variation, residue mobility, and thermodynamic stability) indicates that this missense variant is expected to disrupt NDUFV1 protein function with a positive predictive value of 95%. In summary, the currently available evidence indicates that the variant is pathogenic, but additional data are needed to prove that conclusively. Therefore, this variant has been classified as Likely Pathogenic.

Fulgent Genetics
Classification: Likely pathogenic for Mitochondrial complex I deficiency, nuclear type 4. Last evaluated: 2024-06-03. Review status: criteria provided, single submitter. Criteria: ACMG Guidelines, 2015. Collection method: clinical testing. Allele origin: germline.

Blueprint Genetics
Classification: Uncertain significance. Last evaluated: 2023-12-28. Review status: criteria provided, single submitter. Criteria: ACMG Guidelines, 2015. Collection method: clinical testing. Allele origin: germline.

Juno Genomics, Hangzhou Juno Genomics, Inc
Classification: Likely pathogenic for Mitochondrial complex I deficiency, nuclear type 4. Review status: criteria provided, single submitter. Criteria: ACMG Guidelines, 2015. Collection method: clinical testing. Allele origin: germline.
Comment: Absent from controls (or at extremely low frequency if recessive) in Genome Aggregation Database.;Multiple lines of computational evidence support a deleterious effect on the gene or gene product.;For recessive disorders, detected in trans with a pathogenic variant.;Patient's phenotype or family history is highly specific for a disease with a single genetic etiology.

Literature cited by the submitters: PubMed 35482246 (cited by Labcorp Genetics (formerly Invitae), Labcorp).

NM_007103.4(NDUFV1):c.118C>T (p.Arg40Trp)

Gene: NDUFV1 (NADH:ubiquinone oxidoreductase core subunit V1; plus strand). Cytogenetic location: 11q13.2.
Variant type: single nucleotide variant.
Coding change: c.118C>T on transcript NM_007103.4 (MANE Select); coding-DNA position 118, C replaced by T.
Protein change: p.Arg40Trp; replaces arginine 40 with tryptophan.
Molecular consequence: missense variant.
Genome position (GRCh38, 1-based): chr11:67,608,441, C>T. VCF-style: chr11-67608441-C-T. GRCh37 (hg19) VCF-style: chr11-67375912-C-T.
Other names: c.91C>T, p.Arg31Trp (NM_001166102.2); short protein forms R40W, R31W.
Identifiers: ClinVar variation 2970239 (VCV002970239.7), dbSNP rs1427605081, ClinGen allele CA381532593.